The following is an entry in ClinVar:

ClinVar aggregate classification (germline): Likely pathogenic (1 of 4 stars; one submission).

gnomAD v4.1: 5 of 1,614,188 alleles (0.00031%); highest among the groups gnomAD compares: South Asian, 0.0022%; no homozygotes.

Submission:

GeneDx
Classification: Likely pathogenic. Last evaluated: 2026-05-07. Review status: criteria provided, single submitter. Criteria: GeneDx Variant Classification Process June 2021. Collection method: clinical testing. Allele origin: germline.
Comment: Not observed at significant frequency in large population cohorts (gnomAD); In silico analysis supports that this missense variant has a deleterious effect on protein structure/function; Has not been previously published as pathogenic or benign to our knowledge

NM_138694.4(PKHD1):c.4820A>G (p.Tyr1607Cys)

Genes: PKHD1 (PKHD1 ciliary IPT domain containing fibrocystin/polyductin; minus strand), LOC126859690 (MED14-independent group 3 enhancer GRCh37_chr6:51888848-51890047; plus strand). Cytogenetic location: 6p12.2.
Variant type: single nucleotide variant.
Coding change: c.4820A>G on transcript NM_138694.4 (MANE Select); coding-DNA position 4820, A replaced by G.
Protein change: p.Tyr1607Cys; replaces tyrosine 1607 with cysteine.
Molecular consequence: missense variant.
Genome position (GRCh38, 1-based): chr6:52,024,990, T>C on the plus strand (A>G on the coding strand, the complement: PKHD1 is on the minus strand). VCF-style: chr6-52024990-T-C. GRCh37 (hg19) VCF-style: chr6-51889788-T-C.
Other names: c.4820A>G, p.Tyr1607Cys (NM_170724.3); short protein forms Y1607C.
Identifiers: ClinVar variation 3362010 (VCV003362010.2).